The following is an entry in ClinVar:

ClinVar aggregate classification (germline): Likely pathogenic (1 of 4 stars; one submission).

Conditions:
3-methylglutaconic aciduria type 5. Also called: CARDIOMYOPATHY, DILATED, WITH ATAXIA; MGA, TYPE V; 3 alpha methylglutaconic aciduria type V; MGA 5. Identifiers: Orphanet 66634, MedGen C1857776, MONDO:0012435, OMIM 610198.

Allele frequency attached by ClinVar (database versions not stated): gnomAD exomes below 0.00001; TOPMed below 0.00001; ExAC 0.00002.

Submissions (2):

Labcorp Genetics (formerly Invitae), Labcorp
Classification: Likely pathogenic for 3-methylglutaconic aciduria type 5. Last evaluated: 2024-10-24. Review status: criteria provided, single submitter. Criteria: Invitae Variant Classification Sherloc (09022015). Collection method: clinical testing. Allele origin: germline.
Comment: This variant results in the deletion of part of exon 2 (c.4-24_15del) of the DNAJC19 gene. It is expected to disrupt RNA splicing. Variants that disrupt the donor or acceptor splice site typically lead to a loss of protein function (PMID: 16199547), and loss-of-function variants in DNAJC19 are known to be pathogenic (PMID: 16055927, 27928778). This variant is present in population databases (rs772236610, gnomAD 0.002%). This variant has not been reported in the literature in individuals affected with DNAJC19-related conditions. In summary, the currently available evidence indicates that the variant is pathogenic, but additional data are needed to prove that conclusively. Therefore, this variant has been classified as Likely Pathogenic.

Dr. Peter K. Rogan Lab, Western University
No classification provided (evidence only). Condition: Gastric cancer. Review status: no classification provided. Collection method: in vitro. Allele origin: not applicable. Functional consequence: skipped exon. Not counted in ClinVar's aggregate classification.

Literature cited by the submitters: PubMed 16199547 (cited by Labcorp Genetics (formerly Invitae), Labcorp); PubMed 16055927 (cited by Labcorp Genetics (formerly Invitae), Labcorp); PubMed 27928778 (cited by Labcorp Genetics (formerly Invitae), Labcorp).

NM_145261.4(DNAJC19):c.4-24_15del

Gene: DNAJC19 (DnaJ heat shock protein family (Hsp40) member C19; minus strand). Cytogenetic location: 3q26.33.
Variant type: Deletion.
Coding change: c.4-24_15del on transcript NM_145261.4 (MANE Select); 24 bases into the intron before coding-DNA position 4 through coding-DNA position 15, 36 bases deleted.
Molecular consequence: splice acceptor variant.
Genome position (GRCh38, 1-based): chr3:180,988,218-180,988,253, 36 bases deleted. GRCh37 (hg19): chr3:180,706,006-180,706,041.
Other names: c.-72-24_-61del (NM_001190233.2).
Identifiers: ClinVar variation 2990462 (VCV002990462.4), dbSNP rs772236610, ClinGen allele CA2717163.